The following is an entry in ClinVar:

NM_000081.4(LYST):c.2777C>T (p.Thr926Ile)

Gene: LYST (lysosomal trafficking regulator; minus strand). Cytogenetic location: 1q42.3.
Variant type: single nucleotide variant.
Coding change: c.2777C>T on transcript NM_000081.4 (MANE Select); coding-DNA position 2777, C replaced by T.
Protein change: p.Thr926Ile; replaces threonine 926 with isoleucine.
Molecular consequence: missense variant.
Genome position (GRCh38, 1-based): chr1:235,806,359, G>A on the plus strand (C>T on the coding strand, the complement: LYST is on the minus strand). VCF-style: chr1-235806359-G-A. GRCh37 (hg19) VCF-style: chr1-235969659-G-A.
Other names: c.2777C>T, p.Thr926Ile (NM_001301365.1); short protein forms T926I.
Identifiers: ClinVar variation 2052653 (VCV002052653.1), dbSNP rs1672832618, ClinGen allele CA344955352.

ClinVar aggregate classification (germline): Uncertain significance (1 of 4 stars; one submission).

Conditions:
Chédiak-Higashi syndrome (CHS). Also called: Chediak-Higashi Syndrome. Identifiers: Orphanet 167, MedGen C0007965, MONDO:0008963, OMIM 214500.

Allele frequency attached by ClinVar (database versions not stated): gnomAD exomes below 0.00001; TOPMed below 0.00001; gnomAD 0.00001.
gnomAD v4.1: 3 of 1,613,938 alleles (0.00019%); highest among the groups gnomAD compares: Non-Finnish European, 0.00025%; no homozygotes.

Submission:

Labcorp Genetics (formerly Invitae), Labcorp
Classification: Uncertain significance for Chédiak-Higashi syndrome. Last evaluated: 2022-07-12. Review status: criteria provided, single submitter. Criteria: Invitae Variant Classification Sherloc (09022015). Collection method: clinical testing. Allele origin: germline.
Comment: This sequence change replaces threonine, which is neutral and polar, with isoleucine, which is neutral and non-polar, at codon 926 of the LYST protein (p.Thr926Ile). This variant is not present in population databases (gnomAD no frequency). This variant has not been reported in the literature in individuals affected with LYST-related conditions. Algorithms developed to predict the effect of missense changes on protein structure and function are either unavailable or do not agree on the potential impact of this missense change (SIFT: "Tolerated"; PolyPhen-2: "Probably Damaging"; Align-GVGD: "Class C0"). In summary, the available evidence is currently insufficient to determine the role of this variant in disease. Therefore, it has been classified as a Variant of Uncertain Significance.